The following is an entry in ClinVar:

NM_000444.6(PHEX):c.1969T>A (p.Tyr657Asn)

Genes: PHEX (phosphate regulating endopeptidase X-linked; plus strand), PTCHD1-AS (PTCHD1 and PHEX antisense RNA; minus strand). Cytogenetic location: Xp22.11.
Variant type: single nucleotide variant.
Coding change: c.1969T>A on transcript NM_000444.6 (MANE Select); coding-DNA position 1969, T replaced by A.
Protein change: p.Tyr657Asn; replaces tyrosine 657 with asparagine.
Molecular consequence: missense variant. On other transcripts: non-coding transcript variant (1).
Genome position (GRCh38, 1-based): chrX:22,227,510, T>A. VCF-style: chrX-22227510-T-A. GRCh37 (hg19) VCF-style: chrX-22245627-T-A.
Other names: c.1969T>A, p.Tyr657Asn (NM_001282754.2); short protein forms Y657N.
Identifiers: ClinVar variation 1515427 (VCV001515427.6), dbSNP rs2147184567, ClinGen allele CA412574286.

ClinVar aggregate classification (germline): Likely pathogenic (1 of 4 stars; one submission).

Submission:

Labcorp Genetics (formerly Invitae), Labcorp
Classification: Likely pathogenic. Last evaluated: 2021-07-28. Review status: criteria provided, single submitter. Criteria: Invitae Variant Classification Sherloc (09022015). Collection method: clinical testing. Allele origin: germline.
Comment: In summary, the currently available evidence indicates that the variant is pathogenic, but additional data are needed to prove that conclusively. Therefore, this variant has been classified as Likely Pathogenic. This variant disrupts the p.Tyr657 amino acid residue in PHEX. Other variant(s) that disrupt this residue have been determined to be pathogenic (PMID: 19219621, 29707405, 30682568). This suggests that this residue is clinically significant, and that variants that disrupt this residue are likely to be disease-causing. Advanced modeling of protein sequence and biophysical properties (such as structural, functional, and spatial information, amino acid conservation, physicochemical variation, residue mobility, and thermodynamic stability) performed at Invitae indicates that this missense variant is expected to disrupt PHEX protein function. This variant has not been reported in the literature in individuals affected with PHEX-related conditions. This variant is not present in population databases (ExAC no frequency). This sequence change replaces tyrosine with asparagine at codon 657 of the PHEX protein (p.Tyr657Asn). The tyrosine residue is highly conserved and there is a large physicochemical difference between tyrosine and asparagine.

Literature cited by the submitters: PubMed 19219621; PubMed 29707405; PubMed 30682568.